The following is an entry in ClinVar:

ClinVar aggregate classification (germline): Uncertain significance. Review status: criteria provided, multiple submitters, no conflicts (2 of 4 stars). 2 submissions from 2 submitters: Uncertain significance (2). Last evaluated 2025-11-03.

gnomAD v4.1: 5 of 1,613,654 alleles (0.00031%); highest among the groups gnomAD compares: Admixed American, 0.0083%; no homozygotes.

Submissions (2):

Labcorp Genetics (formerly Invitae), Labcorp
Classification: Uncertain significance. Last evaluated: 2025-11-03. Review status: criteria provided, single submitter. Criteria: Invitae Variant Classification Sherloc (09022015). Collection method: clinical testing. Allele origin: germline.
Comment: This sequence change replaces glutamic acid, which is acidic and polar, with glutamine, which is neutral and polar, at codon 686 of the SULF1 protein (p.Glu686Gln). This variant is present in population databases (rs781668843, gnomAD 0.01%). This variant has not been reported in the literature in individuals affected with SULF1-related conditions. An algorithm developed to predict the effect of missense changes on protein structure and function (PolyPhen-2) suggests that this variant is likely to be tolerated. In summary, the available evidence is currently insufficient to determine the role of this variant in disease. Therefore, it has been classified as a Variant of Uncertain Significance.

Ambry Genetics
Classification: Uncertain significance. Last evaluated: 2025-10-21. Review status: criteria provided, single submitter. Criteria: Ambry Variant Classification Scheme 2023. Collection method: clinical testing. Allele origin: germline.

NM_001128205.2(SULF1):c.2056G>C (p.Glu686Gln)

Gene: SULF1 (sulfatase 1; plus strand). Cytogenetic location: 8q13.3.
Variant type: single nucleotide variant.
Coding change: c.2056G>C on transcript NM_001128205.2 (MANE Select); coding-DNA position 2056, G replaced by C.
Protein change: p.Glu686Gln; replaces glutamic acid 686 with glutamine.
Molecular consequence: missense variant. On other transcripts: non-coding transcript variant (7).
Genome position (GRCh38, 1-based): chr8:69,628,184, G>C. VCF-style: chr8-69628184-G-C. GRCh37 (hg19) VCF-style: chr8-70540419-G-C.
Other names: c.2056G>C, p.Glu686Gln (NM_001128204.2, NM_001128206.2, NM_001412828.1 and 9 more transcripts); c.1927G>C, p.Glu643Gln (NM_001412832.1, NM_001412838.1, NM_001412839.1 and 1 more transcripts); c.1999G>C, p.Glu667Gln (NM_001412836.1, NM_001412837.1); c.1870G>C, p.Glu624Gln (NM_001412841.1, NM_001412842.1); c.1456G>C, p.Glu486Gln (NM_001412844.1, NM_001412845.1); c.265G>C, p.Glu89Gln (NM_001412846.1); short protein forms E486Q, E686Q, E89Q, E624Q, E643Q, E667Q.
Identifiers: ClinVar variation 4591153 (VCV004591153.2).